The following is an entry in ClinVar:

ClinVar aggregate classification (germline): Uncertain significance. Review status: criteria provided, multiple submitters, no conflicts (2 of 4 stars). 3 submissions from 3 submitters: Uncertain significance (3). Last evaluated 2025-12-16.

Conditions:
Familial adenomatous polyposis 1 (FAP1). Also called: FAMILIAL ADENOMATOUS POLYPOSIS 1, ATTENUATED; POLYPOSIS, ADENOMATOUS INTESTINAL. Identifiers: MedGen C2713442, MONDO:0021056, OMIM 175100. Disease mechanism: loss of function.
Hereditary cancer-predisposing syndrome. Also called: Neoplastic Syndromes, Hereditary; Tumor predisposition; Hereditary Cancer Syndrome; Hereditary neoplastic syndrome. Identifiers: Orphanet 140162, MedGen C0027672, MeSH D009386, MONDO:0015356.

Submissions (3):

Labcorp Genetics (formerly Invitae), Labcorp
Classification: Uncertain significance for Familial adenomatous polyposis 1. Last evaluated: 2025-12-16. Review status: criteria provided, single submitter. Criteria: Invitae Variant Classification Sherloc (09022015). Collection method: clinical testing. Allele origin: germline.
Comment: This sequence change replaces threonine, which is neutral and polar, with isoleucine, which is neutral and non-polar, at codon 2676 of the APC protein (p.Thr2676Ile). This variant is not present in population databases (gnomAD no frequency). This variant has not been reported in the literature in individuals affected with APC-related conditions. ClinVar contains an entry for this variant (Variation ID: 485135). Invitae Evidence Modeling of protein sequence and biophysical properties (such as structural, functional, and spatial information, amino acid conservation, physicochemical variation, residue mobility, and thermodynamic stability) indicates that this missense variant is not expected to disrupt APC protein function with a negative predictive value of 95%. In summary, the available evidence is currently insufficient to determine the role of this variant in disease. Therefore, it has been classified as a Variant of Uncertain Significance.

GeneDx
Classification: Uncertain significance. Last evaluated: 2024-04-16. Review status: criteria provided, single submitter. Criteria: GeneDx Variant Classification Process June 2021. Collection method: clinical testing. Allele origin: germline. Affected: yes.
Comment: Not observed at significant frequency in large population cohorts (gnomAD); In silico analysis indicates that this missense variant does not alter protein structure/function; Has not been previously published as pathogenic or benign to our knowledge

Ambry Genetics
Classification: Uncertain significance for Hereditary cancer-predisposing syndrome. Last evaluated: 2020-03-31. Review status: criteria provided, single submitter. Criteria: Ambry Variant Classification Scheme 2023. Collection method: clinical testing. Allele origin: germline.
Comment: The p.T2676I variant (also known as c.8027C>T), located in coding exon 15 of the APC gene, results from a C to T substitution at nucleotide position 8027. The threonine at codon 2676 is replaced by isoleucine, an amino acid with similar properties. This amino acid position is well conserved in available vertebrate species. In addition, in silico predictors for this gene do not accurately predict pathogenicity. Since supporting evidence is limited at this time, the clinical significance of this alteration remains unclear.

NM_000038.6(APC):c.8027C>T (p.Thr2676Ile)

Gene: APC (APC regulator of Wnt signaling pathway; plus strand). Cytogenetic location: 5q22.2.
Variant type: single nucleotide variant.
Coding change: c.8027C>T on transcript NM_000038.6 (MANE Select); coding-DNA position 8027, C replaced by T.
Protein change: p.Thr2676Ile; replaces threonine 2676 with isoleucine.
Molecular consequence: missense variant.
Genome position (GRCh38, 1-based): chr5:112,843,621, C>T. VCF-style: chr5-112843621-C-T. GRCh37 (hg19) VCF-style: chr5-112179318-C-T.
Other names: c.8027C>T, p.Thr2676Ile (NM_001127510.3, NM_001354895.2); c.7973C>T, p.Thr2658Ile (NM_001127511.3); c.8081C>T, p.Thr2694Ile (NM_001354896.2); c.8057C>T, p.Thr2686Ile (NM_001354897.2); c.7952C>T, p.Thr2651Ile (NM_001354898.2); c.7943C>T, p.Thr2648Ile (NM_001354899.2); c.7904C>T, p.Thr2635Ile (NM_001354900.2); c.7850C>T, p.Thr2617Ile (NM_001354901.2); and 5 more; short protein forms T2676I, T2658I, T2516I, T2575I, T2617I, T2648I, T2686I, T2694I.
Identifiers: ClinVar variation 485135 (VCV000485135.14), dbSNP rs1554088843, ClinGen allele CA16038767.